The following is an entry in ClinVar:

ClinVar aggregate classification (germline): Uncertain significance. Review status: reviewed by expert panel (3 of 4 stars). 4 submissions from 4 submitters: Uncertain significance (1). 3 of the submissions do not count toward it. Last evaluated 2025-05-16.

Conditions:
Hereditary cancer-predisposing syndrome. Also called: Neoplastic Syndromes, Hereditary; Tumor predisposition; Hereditary Cancer Syndrome; Hereditary neoplastic syndrome. Identifiers: Orphanet 140162, MedGen C0027672, MeSH D009386, MONDO:0015356.
Familial adenomatous polyposis 1 (FAP1). Also called: FAMILIAL ADENOMATOUS POLYPOSIS 1, ATTENUATED; POLYPOSIS, ADENOMATOUS INTESTINAL. Identifiers: MedGen C2713442, MONDO:0021056, OMIM 175100. Disease mechanism: loss of function.

Submissions (4):

ClinGen InSiGHT Hereditary Colorectal Cancer/Polyposis Variant Curation Expert Panel
Classification: Uncertain significance for Familial adenomatous polyposis 1. Last evaluated: 2025-05-16. Review status: reviewed by expert panel. Criteria: ClinGen InSiGHT HCCP VCEP ACMG Specifications APC V1. Collection method: curation. Allele origin: germline. Inheritance: Autosomal dominant inheritance.
Comment: The NM_000038.6(APC):c.4139C>T variant in APC is a missense variant predicted to cause substitution of Threonine by Isoleucine at amino acid position 1380 (p.Thr1380Ile). This variant has been reported in 6 probands meeting phenotypic criteria, resulting in a total phenotype score of 3 points (PS4_Moderate [Ambry Genetics, Invitae]). The variant has been reported in 2 additional probands with a colorectal cancer/polyposis associated phenotype not meeting phenotypic criteria and one unaffected individual with a positive family history for colorectal polyposis (Invitae). This variant is absent from gnomAD v2.1.1 (PM2_Supporting). APC, in which the variant was identified, is defined by the ClinGen InSiGHT Hereditary Colorectal Cancer/Polyposis VCEP (HCCP VCEP) as a gene for which primarily truncating variants are known to cause disease (BP1). In summary, this variant is a VUS for autosomal-dominant inherited FAP based on the ACMG/AMP criteria applied, as specified by the HCCP VCEP: criteria BP1, PS4_Moderate, PM2_Supporting applied (VCEP specifications v2.0.3; date of approval 7/24/2023).

Labcorp Genetics (formerly Invitae), Labcorp
Classification: Likely pathogenic for Familial adenomatous polyposis 1. Last evaluated: 2026-01-18. Review status: criteria provided, single submitter. Criteria: Invitae Variant Classification Sherloc (09022015). Collection method: clinical testing. Allele origin: germline. Not counted in ClinVar's aggregate classification.
Comment: This sequence change replaces threonine, which is neutral and polar, with isoleucine, which is neutral and non-polar, at codon 1380 of the APC protein (p.Thr1380Ile). This variant is not present in population databases (gnomAD no frequency). This missense change has been observed in individuals with clinical features of familial adenomatosis polyposis (internal data). ClinVar contains an entry for this variant (Variation ID: 233890). Invitae Evidence Modeling of protein sequence and biophysical properties (such as structural, functional, and spatial information, amino acid conservation, physicochemical variation, residue mobility, and thermodynamic stability) indicates that this missense variant is not expected to disrupt APC protein function with a negative predictive value of 95%. In summary, the currently available evidence indicates that the variant is pathogenic, but additional data are needed to prove that conclusively. Therefore, this variant has been classified as Likely Pathogenic.

Ambry Genetics
Classification: Likely pathogenic for Hereditary cancer-predisposing syndrome. Last evaluated: 2024-10-03. Review status: criteria provided, single submitter. Criteria: Ambry Variant Classification Scheme 2023. Collection method: clinical testing. Allele origin: germline. Not counted in ClinVar's aggregate classification.
Comment: The p.T1380I variant (also known as c.4139C>T), located in coding exon 15 of the APC gene, results from a C to T substitution at nucleotide position 4139. The threonine at codon 1380 is replaced by isoleucine, an amino acid with similar properties. This alteration has been observed in multiple individuals with a personal and/or family history that is consistent with APC-associated disease (Ambry internal data). This amino acid position is highly conserved in available vertebrate species. In addition, in silico predictors for this gene do not accurately predict pathogenicity. This variant is considered to be rare based on population cohorts in the Genome Aggregation Database (gnomAD). Based on the majority of available evidence to date, this variant is likely to be pathogenic.

GeneDx
Classification: Uncertain significance. Last evaluated: 2017-06-01. Review status: criteria provided, single submitter. Criteria: GeneDx Variant Classification (06012015). Collection method: clinical testing. Allele origin: germline. Affected: yes. Not counted in ClinVar's aggregate classification.
Comment: This variant is denoted APC c.4139C>T at the cDNA level, p.Thr1380Ile (T1380I) at the protein level, and results in the change of a Threonine to an Isoleucine (ACC>ATC). This variant has not, to our knowledge, been published in the literature as a germline variant; however, it has been reported has a somatic variant in a serous endometrial tumor (Castonguay 2014). APC Thr1380Ile was not observed in large population cohorts (NHLBI Exome Sequencing Project, The 1000 Genomes Consortium 2015, Lek 2016). Since Threonine and Isoleucine differ in polarity, charge, size or other properties, this is considered a non-conservative amino acid substitution. APC Thr1380Ile occurs at a position that is conserved across species and is located in within the 20-amino acid repeat beta-catenin down-regulating domain (Azzopardi 2008). In silico analyses predict that this variant is probably damaging to protein structure and function. Based on currently available evidence, it is unclear whether APC Thr1380Ile is a pathogenic or benign variant. We consider it to be a variant of uncertain significance.

NM_000038.6(APC):c.4139C>T (p.Thr1380Ile)

Gene: APC (APC regulator of Wnt signaling pathway; plus strand). Cytogenetic location: 5q22.2.
Variant type: single nucleotide variant.
Coding change: c.4139C>T on transcript NM_000038.6 (MANE Select); coding-DNA position 4139, C replaced by T.
Protein change: p.Thr1380Ile; replaces threonine 1380 with isoleucine.
Molecular consequence: missense variant.
Genome position (GRCh38, 1-based): chr5:112,839,733, C>T. VCF-style: chr5-112839733-C-T. GRCh37 (hg19) VCF-style: chr5-112175430-C-T.
Other names: NM_000038.6(APC):c.4139C>T; p.Thr1380Ile; c.4139C>T, p.Thr1380Ile (NM_001127510.3, NM_001354895.2); c.4085C>T, p.Thr1362Ile (NM_001127511.3); c.4193C>T, p.Thr1398Ile (NM_001354896.2); c.4169C>T, p.Thr1390Ile (NM_001354897.2); c.4064C>T, p.Thr1355Ile (NM_001354898.2); c.4055C>T, p.Thr1352Ile (NM_001354899.2); and 7 more; short protein forms T1362I, T1380I, T1220I, T1355I, T1254I, T1279I, T1289I, T1097I.
Identifiers: ClinVar variation 233890 (VCV000233890.18), dbSNP rs876660713, ClinGen allele CA10578369.